The following is an entry in ClinVar:

ClinVar aggregate classification (germline): Likely benign (1 of 4 stars; one submission).

Submission:

CeGaT Center for Human Genetics Tuebingen
Classification: Likely benign. Last evaluated: 2023-04-01. Review status: criteria provided, single submitter. Criteria: CeGaT Center For Human Genetics Tuebingen Variant Classification Criteria Version 2. Collection method: clinical testing. Allele origin: germline. Affected: yes. Observed: 1 variant allele.
Comment: SPTBN4: PM2:Supporting, BP4, BP7

NM_020971.3(SPTBN4):c.3081A>C (p.Leu1027=)

Gene: SPTBN4 (spectrin beta, non-erythrocytic 4; plus strand). Cytogenetic location: 19q13.2.
Variant type: single nucleotide variant.
Coding change: c.3081A>C on transcript NM_020971.3 (MANE Select); coding-DNA position 3081, A replaced by C.
Protein change: p.Leu1027=; no amino-acid change (leucine 1027 retained).
Molecular consequence: synonymous variant.
Genome position (GRCh38, 1-based): chr19:40,519,578, A>C. VCF-style: chr19-40519578-A-C. GRCh37 (hg19) VCF-style: chr19-41025485-A-C.
Identifiers: ClinVar variation 2649889 (VCV002649889.22), dbSNP rs2515053797, ClinGen allele CA507682086.
Genomic context (GRCh38, chr19:40,519,578, plus strand): 5'-GAGAGCTGTGGAGAGCGCGCCCCGGGCCGGCGGCGCCCTGCAGTGGCGTCTTAGCGGCCT[A>C]GAGGCCGCTCTGCAGGCGCTGGAGCCGCGCCAGGCGGCCCTTCTGGAGGAGGCAGCCCTG-3'
Protein context (NP_066022.2, residues 1017-1037): GGALQWRLSG[Leu1027=]EAALQALEPR